The following is an entry in ClinVar:

NM_000093.5(COL5A1):c.1442G>T (p.Gly481Val)

Gene: COL5A1 (collagen type V alpha 1 chain; plus strand). Cytogenetic location: 9q34.3.
Variant type: single nucleotide variant.
Coding change: c.1442G>T on transcript NM_000093.5 (MANE Select); coding-DNA position 1442, G replaced by T.
Protein change: p.Gly481Val; replaces glycine 481 with valine.
Molecular consequence: missense variant.
Genome position (GRCh38, 1-based): chr9:134,738,756, G>T. VCF-style: chr9-134738756-G-T. GRCh37 (hg19) VCF-style: chr9-137630602-G-T.
Other names: c.1442G>T, p.Gly481Val (NM_001278074.1); short protein forms G481V.
Identifiers: ClinVar variation 640759 (VCV000640759.10), dbSNP rs1588488587, ClinGen allele CA375441286.

ClinVar aggregate classification (germline): Uncertain significance (1 of 4 stars; one submission).

Conditions:
Ehlers-Danlos syndrome, classic type, 1 (EDSCL1). Also called: EDS I; EHLERS-DANLOS SYNDROME, GRAVIS TYPE; EHLERS-DANLOS SYNDROME, SEVERE CLASSIC TYPE; Ehlers-Danlos Syndrome, Classic Type, COL5A1-Related; Ehlers-Danlos syndrome, type 1. Identifiers: MedGen C0268335, MONDO:0019567, OMIM 130000.

Submission:

Labcorp Genetics (formerly Invitae), Labcorp
Classification: Uncertain significance for Ehlers-Danlos syndrome, classic type, 1. Last evaluated: 2018-08-17. Review status: criteria provided, single submitter. Criteria: Invitae Variant Classification Sherloc (09022015). Collection method: clinical testing. Allele origin: germline.
Comment: In summary, the available evidence is currently insufficient to determine the role of this variant in disease. Therefore, it has been classified as a Variant of Uncertain Significance. Algorithms developed to predict the effect of sequence changes on RNA splicing suggest that this variant may create or strengthen a splice site, but this prediction has not been confirmed by published transcriptional studies. Algorithms developed to predict the effect of missense changes on protein structure and function (SIFT, PolyPhen-2, Align-GVGD) all suggest that this variant is likely to be disruptive, but these predictions have not been confirmed by published functional studies and their clinical significance is uncertain. This variant has not been reported in the literature in individuals with COL5A1-related disease. This variant is not present in population databases (ExAC no frequency). This sequence change replaces glycine with valine at codon 481 of the COL5A1 protein (p.Gly481Val). The glycine residue is highly conserved and there is a moderate physicochemical difference between glycine and valine.